The following is an entry in ClinVar:

NM_002291.3(LAMB1):c.1844G>A (p.Arg615His)

Gene: LAMB1 (laminin subunit beta 1; minus strand). Cytogenetic location: 7q31.1.
Variant type: single nucleotide variant.
Coding change: c.1844G>A on transcript NM_002291.3 (MANE Select); coding-DNA position 1844, G replaced by A.
Protein change: p.Arg615His; replaces arginine 615 with histidine.
Molecular consequence: missense variant.
Genome position (GRCh38, 1-based): chr7:107,962,918, C>T on the plus strand (G>A on the coding strand, the complement: LAMB1 is on the minus strand). VCF-style: chr7-107962918-C-T. GRCh37 (hg19) VCF-style: chr7-107603363-C-T.
Other names: short protein forms R615H.
Identifiers: ClinVar variation 1201635 (VCV001201635.9), dbSNP rs371422520, ClinGen allele CA4435869.

ClinVar aggregate classification (germline): Uncertain significance. Review status: criteria provided, multiple submitters, no conflicts (2 of 4 stars). 2 submissions from 2 submitters: Uncertain significance (2). Last evaluated 2025-12-19.

Allele frequency attached by ClinVar (database versions not stated): gnomAD 0.00001; TOPMed 0.00002; gnomAD exomes 0.00004; ExAC 0.00005; ESP Exome Variant Server 0.00008.
gnomAD v4.1: 50 of 1,611,774 alleles (0.0031%); highest among the groups gnomAD compares: South Asian, 0.024%; no homozygotes.

Submissions (2):

Labcorp Genetics (formerly Invitae), Labcorp
Classification: Uncertain significance. Last evaluated: 2025-12-19. Review status: criteria provided, single submitter. Criteria: Invitae Variant Classification Sherloc (09022015). Collection method: clinical testing. Allele origin: germline.
Comment: This sequence change replaces arginine, which is basic and polar, with histidine, which is basic and polar, at codon 615 of the LAMB1 protein (p.Arg615His). This variant is present in population databases (rs371422520, gnomAD 0.02%). This variant has not been reported in the literature in individuals affected with LAMB1-related conditions. ClinVar contains an entry for this variant (Variation ID: 1201635). An algorithm developed to predict the effect of missense changes on protein structure and function (PolyPhen-2) suggests that this variant is likely to be disruptive. In summary, the available evidence is currently insufficient to determine the role of this variant in disease. Therefore, it has been classified as a Variant of Uncertain Significance.

GeneDx
Classification: Uncertain significance. Last evaluated: 2021-05-11. Review status: criteria provided, single submitter. Criteria: GeneDx Variant Classification Process June 2021. Collection method: clinical testing. Allele origin: germline. Affected: yes.
Comment: In silico analysis, which includes protein predictors and evolutionary conservation, supports a deleterious effect; Has not been previously published as pathogenic or benign to our knowledge